The following is an entry in ClinVar:

NM_000373.4(UMPS):c.1324C>T (p.Arg442Ter)

Gene: UMPS (uridine monophosphate synthetase; plus strand). Cytogenetic location: 3q21.2.
Variant type: single nucleotide variant.
Coding change: c.1324C>T on transcript NM_000373.4 (MANE Select); coding-DNA position 1324, C replaced by T.
Protein change: p.Arg442Ter; replaces arginine 442 with a stop codon.
Molecular consequence: nonsense. On other transcripts: non-coding transcript variant (2).
Genome position (GRCh38, 1-based): chr3:124,743,965, C>T. VCF-style: chr3-124743965-C-T. GRCh37 (hg19) VCF-style: chr3-124462812-C-T.
Other names: short protein forms R442*.
Identifiers: ClinVar variation 2573717 (VCV002573717.1), dbSNP rs373623358, ClinGen allele CA2581876.

ClinVar aggregate classification (germline): Uncertain significance (1 of 4 stars; one submission).

Allele frequency attached by ClinVar (database versions not stated): ExAC 0.00002; gnomAD 0.00002; gnomAD exomes 0.00002; TOPMed 0.00002; ESP Exome Variant Server 0.00008.
gnomAD v4.1: 32 of 1,614,028 alleles (0.002%); highest among the groups gnomAD compares: African/African-American, 0.004%; no homozygotes.

Submission:

GeneDx
Classification: Uncertain significance. Last evaluated: 2023-01-20. Review status: criteria provided, single submitter. Criteria: GeneDx Variant Classification Process June 2021. Collection method: clinical testing. Allele origin: germline. Affected: yes.
Comment: Nonsense variant predicted to result in protein truncation, as the last 39 amino acids are lost, and other loss-of-function variants have been reported downstream in HGMD; Has not been previously published as pathogenic or benign to our knowledge